The following is an entry in ClinVar:

NM_017780.4(CHD7):c.7807G>A (p.Val2603Ile)

Gene: CHD7 (chromodomain helicase DNA binding protein 7; plus strand). Cytogenetic location: 8q12.2.
Variant type: single nucleotide variant.
Coding change: c.7807G>A on transcript NM_017780.4 (MANE Select); coding-DNA position 7807, G replaced by A.
Protein change: p.Val2603Ile; replaces valine 2603 with isoleucine.
Molecular consequence: missense variant. On other transcripts: intron variant (1).
Genome position (GRCh38, 1-based): chr8:60,861,102, G>A. VCF-style: chr8-60861102-G-A. GRCh37 (hg19) VCF-style: chr8-61773661-G-A.
Other names: c.1717-1127G>A (NM_001316690.1); short protein forms V2603I.
Identifiers: ClinVar variation 2421276 (VCV002421276.5), dbSNP rs2488108813, ClinGen allele CA371304740.

ClinVar aggregate classification (germline): Uncertain significance (1 of 4 stars; one submission).

Conditions:
CHARGE syndrome (CHARGE). Also called: Hittner Hirsch Kreh syndrome; CHARGE ASSOCIATION--COLOBOMA, HEART ANOMALY, CHOANAL ATRESIA, RETARDATION, GENITAL AND EAR ANOMALIES; Coloboma, heart anomaly, choanal atresia, retardation, genital and ear anomalies; CHARGE association; Hall-Hittner syndrome. Identifiers: Orphanet 138, MedGen C0265354, MONDO:0008965.

Allele frequency attached by ClinVar (database versions not stated): gnomAD exomes below 0.00001.
gnomAD v4.1: 4 of 1,598,424 alleles (0.00025%); highest among the groups gnomAD compares: African/African-American, 0.0054%; no homozygotes.

Submission:

Labcorp Genetics (formerly Invitae), Labcorp
Classification: Uncertain significance for CHARGE syndrome. Last evaluated: 2022-03-11. Review status: criteria provided, single submitter. Criteria: Invitae Variant Classification Sherloc (09022015). Collection method: clinical testing. Allele origin: germline.
Comment: Advanced modeling of protein sequence and biophysical properties (such as structural, functional, and spatial information, amino acid conservation, physicochemical variation, residue mobility, and thermodynamic stability) performed at Invitae indicates that this missense variant is not expected to disrupt CHD7 protein function. This variant has not been reported in the literature in individuals affected with CHD7-related conditions. This variant is not present in population databases (gnomAD no frequency). This sequence change replaces valine, which is neutral and non-polar, with isoleucine, which is neutral and non-polar, at codon 2603 of the CHD7 protein (p.Val2603Ile). In summary, the available evidence is currently insufficient to determine the role of this variant in disease. Therefore, it has been classified as a Variant of Uncertain Significance.